The following is an entry in ClinVar:

NM_015868.3(KIR2DL3):c.759C>T (p.Val253=)

Gene: KIR2DL3 (killer cell immunoglobulin like receptor, two Ig domains and long cytoplasmic tail 3). Cytogenetic location: 19q13.42.
Variant type: single nucleotide variant.
Coding change: c.759C>T on transcript NM_015868.3 (MANE Select); coding-DNA position 759, C replaced by T.
Protein change: p.Val253=; no amino-acid change (valine 253 retained).
Molecular consequence: synonymous variant.
Genome position (GRCh38, 1-based): chr19:54,751,692, C>T. VCF-style: chr19-54751692-C-T. GRCh37 (hg19) VCF-style: chr19-55263144-C-T.
Identifiers: ClinVar variation 2650460 (VCV002650460.24), dbSNP rs796351282, ClinGen allele CA309864881.

ClinVar aggregate classification (germline): Likely benign (1 of 4 stars; one submission).

Submission:

CeGaT Center for Human Genetics Tuebingen
Classification: Likely benign. Last evaluated: 2023-07-01. Review status: criteria provided, single submitter. Criteria: CeGaT Center For Human Genetics Tuebingen Variant Classification Criteria Version 2. Collection method: clinical testing. Allele origin: germline. Affected: yes. Observed: 1 variant allele.
Comment: KIR2DL3: PM2:Supporting, BP4, BP7